The following is an entry in ClinVar:

ClinVar aggregate classification (germline): Conflicting classifications of pathogenicity. Review status: criteria provided, conflicting classifications (1 of 4 stars). 3 submissions from 3 submitters: Uncertain significance (1); Likely benign (2). Last evaluated 2025-12-02.

Conditions:
Epidermolysis bullosa simplex 5B, with muscular dystrophy (EBS5B). Also called: Epidermolysis bullosa simplex with muscular dystrophy; EPIDERMOLYSIS BULLOSA SIMPLEX AND LIMB-GIRDLE MUSCULAR DYSTROPHY. Identifiers: Orphanet 257, MedGen C2931072, MONDO:0009181, OMIM 226670.
Epidermolysis bullosa simplex, Ogna type (EBS5A). Also called: Pidermolysis bullosa simplex 5A, Ogna type; EPIDERMOLYSIS BULLOSA SIMPLEX 5A, OGNA TYPE. Identifiers: Orphanet 79401, MedGen C0432317, MONDO:0007555, OMIM 131950.
Autosomal recessive limb-girdle muscular dystrophy type 2Q (LGMDR17). Also called: MUSCULAR DYSTROPHY, LIMB-GIRDLE, AUTOSOMAL RECESSIVE 17. Identifiers: Orphanet 254361, MedGen C3150989, MONDO:0013390, OMIM 613723.
Epidermolysis bullosa simplex 5C, with pyloric atresia (EBS5C). Also called: PLEC-Related Epidermolysis Bullosa with Pyloric Atresia; Epidermolysis bullosa simplex with pyloric atresia; PLEC1-Related Epidermolysis Bullosa with Pyloric Atresia. Identifiers: Orphanet 158684, MedGen C2677349, MONDO:0012807, OMIM 612138.
Epidermolysis bullosa simplex with nail dystrophy (EBS5D). Identifiers: MedGen C4225309, MONDO:0014661, OMIM 616487.

Allele frequency attached by ClinVar (database versions not stated): gnomAD 0.00001; gnomAD exomes 0.00001 and 0.00003; TOPMed 0.00002; ExAC 0.00003; 1000 Genomes Project 30x 0.00016.
gnomAD v4.1: 14 of 1,592,010 alleles (0.00088%); highest among the groups gnomAD compares: Middle Eastern, 0.018%; no homozygotes.

Submissions (3):

Labcorp Genetics (formerly Invitae), Labcorp
Classification: Likely benign for Autosomal recessive limb-girdle muscular dystrophy type 2Q; Epidermolysis bullosa simplex, Ogna type; Epidermolysis bullosa simplex with nail dystrophy; Epidermolysis bullosa simplex 5C, with pyloric atresia; Epidermolysis bullosa simplex 5B, with muscular dystrophy. Last evaluated: 2025-12-02. Review status: criteria provided, single submitter. Criteria: Invitae Variant Classification Sherloc (09022015). Collection method: clinical testing. Allele origin: germline.

Eurofins Ntd Llc (ga)
Classification: Uncertain significance. Last evaluated: 2016-12-29. Review status: criteria provided, single submitter. Criteria: EGL Classification Definitions 2015. Collection method: clinical testing. Allele origin: germline. Observed: 1 variant allele, 1 heterozygote.

GeneDx
Classification: Likely benign. Last evaluated: 2016-02-26. Review status: criteria provided, single submitter. Criteria: GeneDx Variant Classification (06012015). Collection method: clinical testing. Allele origin: germline. Affected: yes.
Comment: This variant is considered likely benign or benign based on one or more of the following criteria: it is a conservative change, it occurs at a poorly conserved position in the protein, it is predicted to be benign by multiple in silico algorithms, and/or has population frequency not consistent with disease.

NM_201384.3(PLEC):c.11562C>T (p.Arg3854=)

Gene: PLEC (plectin; minus strand). Cytogenetic location: 8q24.3.
Variant type: single nucleotide variant.
Coding change: c.11562C>T on transcript NM_201384.3 (MANE Select); coding-DNA position 11562, C replaced by T.
Protein change: p.Arg3854=; no amino-acid change (arginine 3854 retained).
Molecular consequence: synonymous variant.
Genome position (GRCh38, 1-based): chr8:143,918,259, G>A on the plus strand (C>T on the coding strand, the complement: PLEC is on the minus strand). VCF-style: chr8-143918259-G-A. GRCh37 (hg19) VCF-style: chr8-144992427-G-A.
Other names: c.11643C>T, p.Arg3881= (NM_000445.5); c.11520C>T, p.Arg3840= (NM_201378.4); c.11496C>T, p.Arg3832= (NM_201379.3); c.11973C>T, p.Arg3991= (NM_201380.4); c.11466C>T, p.Arg3822= (NM_201381.3); c.11562C>T, p.Arg3854= (NM_201382.4); c.11574C>T, p.Arg3858= (NM_201383.3).
Identifiers: ClinVar variation 383357 (VCV000383357.13), dbSNP rs781931763, ClinGen allele CA4924312.
Genomic context (GRCh38, chr8:143,918,259, plus strand): 5'-GAGCAGCTGGCCGGTGCCGTCGTCACGACGGCACCGCCTGAGCAGCTGCGTGTAGCTGAG[G>A]CGCTCGTCGGTGGACGGGTCCACGTAGCTGCGCACCTCGCTGGGCTCTGACAGCTGGTCG-3'
Protein context (NP_958786.1, residues 3844-3864): RSYVDPSTDE[Arg3854=]LSYTQLLRRC